The following is an entry in ClinVar:

NM_024598.4(USB1):c.564G>C (p.Glu188Asp)

Gene: USB1 (U6 snRNA biogenesis phosphodiesterase 1; plus strand). Cytogenetic location: 16q21.
Variant type: single nucleotide variant.
Coding change: c.564G>C on transcript NM_024598.4 (MANE Select); coding-DNA position 564, G replaced by C.
Protein change: p.Glu188Asp; replaces glutamic acid 188 with aspartic acid.
Molecular consequence: missense variant.
Genome position (GRCh38, 1-based): chr16:58,017,394, G>C. VCF-style: chr16-58017394-G-C. GRCh37 (hg19) VCF-style: chr16-58051298-G-C.
Other names: c.510G>C, p.Glu170Asp (NM_001195302.2); c.411G>C, p.Glu137Asp (NM_001330568.2); short protein forms E170D, E137D, E188D.
Identifiers: ClinVar variation 3978178 (VCV003978178.1).
Genomic context (GRCh38, chr16:58,017,394, plus strand): 5'-GACCTTTATTGGGCTTGAGGTCACTTCAGGGCATGCCCAGTTCCTGGACCTGGTTTCAGA[G>C]GTGGACAGAGTCATGGAGGAATTCAACCTCACCACTTTCTACCAGGTAATGAATGGGGCT-3'
Protein context (NP_078874.2, residues 178-198): GHAQFLDLVS[Glu188Asp]VDRVMEEFNL

ClinVar aggregate classification (germline): Uncertain significance (1 of 4 stars; one submission).

Conditions:
Inborn genetic diseases. Identifiers: MedGen C0950123, MeSH D030342.

Submission:

Ambry Genetics
Classification: Uncertain significance for Inborn genetic diseases. Last evaluated: 2025-05-26. Review status: criteria provided, single submitter. Criteria: Ambry Variant Classification Scheme 2023. Collection method: clinical testing. Allele origin: germline.
Comment: The p.E188D variant (also known as c.564G>C), located in coding exon 5 of the USB1 gene, results from a G to C substitution at nucleotide position 564. The glutamic acid at codon 188 is replaced by aspartic acid, an amino acid with highly similar properties. This amino acid position is conserved. In addition, this alteration is predicted to be tolerated by in silico analysis. Based on the available evidence, the clinical significance of this variant remains unclear.